The following is an entry in ClinVar:

ClinVar aggregate classification (germline): Uncertain significance (1 of 4 stars; one submission).

Allele frequency attached by ClinVar (database versions not stated): gnomAD exomes below 0.00001; gnomAD 0.00002; TOPMed below 0.00001.

Submission:

Labcorp Genetics (formerly Invitae), Labcorp
Classification: Uncertain significance. Last evaluated: 2024-12-02. Review status: criteria provided, single submitter. Criteria: Invitae Variant Classification Sherloc (09022015). Collection method: clinical testing. Allele origin: germline.
Comment: This sequence change replaces methionine, which is neutral and non-polar, with arginine, which is basic and polar, at codon 1206 of the TRPM1 protein (p.Met1206Arg). This variant is present in population databases (no rsID available, gnomAD 0.004%). This variant has not been reported in the literature in individuals affected with TRPM1-related conditions. ClinVar contains an entry for this variant (Variation ID: 853536). Invitae Evidence Modeling of protein sequence and biophysical properties (such as structural, functional, and spatial information, amino acid conservation, physicochemical variation, residue mobility, and thermodynamic stability) has been performed for this missense variant. However, the output from this modeling did not meet the statistical confidence thresholds required to predict the impact of this variant on TRPM1 protein function. In summary, the available evidence is currently insufficient to determine the role of this variant in disease. Therefore, it has been classified as a Variant of Uncertain Significance.

NM_001252024.2(TRPM1):c.3683T>G (p.Met1228Arg)

Gene: TRPM1 (transient receptor potential cation channel subfamily M member 1; minus strand). Cytogenetic location: 15q13.3.
Variant type: single nucleotide variant.
Coding change: c.3683T>G on transcript NM_001252024.2 (MANE Select); coding-DNA position 3683, T replaced by G.
Protein change: p.Met1228Arg; replaces methionine 1228 with arginine.
Molecular consequence: missense variant.
Genome position (GRCh38, 1-based): chr15:31,003,017, A>C on the plus strand (T>G on the coding strand, the complement: TRPM1 is on the minus strand). VCF-style: chr15-31003017-A-C. GRCh37 (hg19) VCF-style: chr15-31295220-A-C.
Other names: c.3734T>G, p.Met1245Arg (NM_001252020.2); c.3617T>G, p.Met1206Arg (NM_002420.6); short protein forms M1206R, M1228R, M1245R.
Identifiers: ClinVar variation 853536 (VCV000853536.8), dbSNP rs879680059, ClinGen allele CA267497682.